The following is an entry in ClinVar:

ClinVar aggregate classification (germline): Likely benign (0 of 4 stars; one submission).

Conditions:
MYH8-related disorder. Also called: MYH8-related condition.

Allele frequency attached by ClinVar (database versions not stated): TOPMed below 0.00001; ExAC 0.00001; gnomAD 0.00001; gnomAD exomes 0.00002.
gnomAD v4.1: 11 of 1,613,770 alleles (0.00068%); highest among the groups gnomAD compares: Admixed American, 0.018%; no homozygotes.

Submission:

PreventionGenetics, part of Exact Sciences
Classification: Likely benign for MYH8-related condition. Last evaluated: 2021-01-04. Review status: no assertion criteria provided. Collection method: clinical testing. Allele origin: germline.
Comment: This variant is classified as likely benign based on ACMG/AMP sequence variant interpretation guidelines (Richards et al. 2015 PMID: 25741868, with internal and published modifications).

NM_002472.3(MYH8):c.355-9T>C

Genes: MYH8 (myosin heavy chain 8; minus strand), MYHAS (myosin heavy chain gene cluster antisense RNA; plus strand). Cytogenetic location: 17p13.1.
Variant type: single nucleotide variant.
Coding change: c.355-9T>C on transcript NM_002472.3 (MANE Select); 9 bases into the intron before coding-DNA position 355, T replaced by C.
Molecular consequence: intron variant.
Genome position (GRCh38, 1-based): chr17:10,418,810, A>G on the plus strand (T>C on the coding strand, the complement: MYH8 is on the minus strand). VCF-style: chr17-10418810-A-G. GRCh37 (hg19) VCF-style: chr17-10322127-A-G.
Identifiers: ClinVar variation 3030987 (VCV003030987.2), dbSNP rs776667568, ClinGen allele CA8388407.